The following is an entry in ClinVar:

NM_001347721.2(DYRK1A):c.763A>T (p.Lys255Ter)

Gene: DYRK1A (dual specificity tyrosine phosphorylation regulated kinase 1A; plus strand). Cytogenetic location: 21q22.13.
Variant type: single nucleotide variant.
Coding change: c.763A>T on transcript NM_001347721.2 (MANE Select); coding-DNA position 763, A replaced by T.
Protein change: p.Lys255Ter; replaces lysine 255 with a stop codon.
Molecular consequence: nonsense.
Genome position (GRCh38, 1-based): chr21:37,490,300, A>T. VCF-style: chr21-37490300-A-T. GRCh37 (hg19) VCF-style: chr21-38862602-A-T.
Other names: c.763A>T, p.Lys255Ter (NM_001347722.2, NM_130436.2); c.676A>T, p.Lys226Ter (NM_001347723.2); c.790A>T, p.Lys264Ter (NM_001396.5, NM_101395.2, NM_130438.2); short protein forms K226*, K255*, K264*.
Identifiers: ClinVar variation 1068692 (VCV001068692.7), dbSNP rs1555984237, ClinGen allele CA409947561.
Genomic context (GRCh38, chr21:37,490,300, plus strand): 5'-AACCTCTATGACTTGCTGAGAAACACCAATTTCCGAGGGGTCTCTTTGAACCTAACACGA[A>T]AGTTTGCGCAACAGATGTGCACTGCACTGCTTTTCCTTGCGACTCCAGAACTTAGTATCA-3'

ClinVar aggregate classification (germline): Pathogenic (1 of 4 stars; one submission).

Conditions:
DYRK1A-related intellectual disability syndrome (MRD7). Also called: DYRK1A Syndrome; Intellectual developmental disorder, autosomal dominant 7. Identifiers: Orphanet 464306, MedGen C5568143, MONDO:0013578, OMIM 614104.

Submission:

Labcorp Genetics (formerly Invitae), Labcorp
Classification: Pathogenic for DYRK1A-related intellectual disability syndrome. Last evaluated: 2020-06-05. Review status: criteria provided, single submitter. Criteria: Invitae Variant Classification Sherloc (09022015). Collection method: clinical testing. Allele origin: germline.
Comment: This sequence change creates a premature translational stop signal (p.Lys264*) in the DYRK1A gene. It is expected to result in an absent or disrupted protein product. This variant is not present in population databases (ExAC no frequency). This variant has not been reported in the literature in individuals with DYRK1A-related conditions. Loss-of-function variants in DYRK1A are known to be pathogenic (PMID: 25944381). For these reasons, this variant has been classified as Pathogenic.

Literature cited by the submitters: PubMed 25944381.